The following is an entry in ClinVar:

ClinVar aggregate classification (germline): Likely pathogenic (1 of 4 stars; one submission).

Conditions:
Hyper-IgE recurrent infection syndrome 3, autosomal recessive. Also called: Autosomal recessive hyper-IgE syndrome due to ZNF341 deficiency; HYPER-IgE SYNDROME 3, AUTOSOMAL RECESSIVE, WITH RECURRENT INFECTIONS. Identifiers: Orphanet 641368, MedGen C4748969, MONDO:0032654, OMIM 618282.

Submission:

Labcorp Genetics (formerly Invitae), Labcorp
Classification: Likely pathogenic for Combined immunodeficiency due to DOCK8 deficiency. Last evaluated: 2022-09-12. Review status: criteria provided, single submitter. Criteria: Invitae Variant Classification Sherloc (09022015). Collection method: clinical testing. Allele origin: germline.
Comment: In summary, the currently available evidence indicates that the variant is pathogenic, but additional data are needed to prove that conclusively. Therefore, this variant has been classified as Likely Pathogenic. This variant has not been reported in the literature in individuals affected with DOCK8-related conditions. This variant results in a copy number gain of the genomic region encompassing exon(s) 2-30 of the DOCK8 gene. While the exact position of this variant cannot be determined from the data, sub-genic copy number gains are generally in tandem (PMID: 25640679). This variant is predicted to be out-of-frame, and may result in an absent or disrupted protein product. Loss-of-function variants in DOCK8 are known to be pathogenic (PMID: 14722525, 19776401).

Literature cited by the submitters: PubMed 25640679; PubMed 14722525; PubMed 19776401.

NC_000009.11:g.(?_271607)_(418227_?)dup

Gene: DOCK8 (dedicator of cytokinesis 8; plus strand). Cytogenetic location: 9p24.3.
Variant type: Duplication.
Identifiers: ClinVar variation 2427715 (VCV002427715.3).